The following is an entry in ClinVar:

ClinVar aggregate classification (germline): Uncertain significance. Review status: criteria provided, multiple submitters, no conflicts (2 of 4 stars). 2 submissions from 2 submitters: Uncertain significance (2). Last evaluated 2025-11-23.

Conditions:
Hereditary cancer-predisposing syndrome. Also called: Neoplastic Syndromes, Hereditary; Hereditary Cancer Syndrome; Tumor predisposition; Hereditary neoplastic syndrome. Identifiers: Orphanet 140162, MedGen C0027672, MeSH D009386, MONDO:0015356.
Ataxia-telangiectasia syndrome (AT). Also called: Ataxia-telangiectasia, complementation group D; AT, COMPLEMENTATION GROUP C; Ataxia-telangiectasia; ATAXIA-TELANGIECTASIA, COMPLEMENTATION GROUP A; ATAXIA-TELANGIECTASIA, FRESNO VARIANT; Ataxia-telangiectasia, complementation group E. Identifiers: Orphanet 100, MedGen C0004135, MONDO:0008840, OMIM 208900.

Submissions (2):

Labcorp Genetics (formerly Invitae), Labcorp
Classification: Uncertain significance for Ataxia-telangiectasia syndrome. Last evaluated: 2025-11-23. Review status: criteria provided, single submitter. Criteria: Invitae Variant Classification Sherloc (09022015). Collection method: clinical testing. Allele origin: germline.
Comment: This sequence change falls in intron 51 of the ATM gene. It does not directly change the encoded amino acid sequence of the ATM protein. It affects a nucleotide within the consensus splice site. This variant is not present in population databases (gnomAD no frequency). This variant has not been reported in the literature in individuals affected with ATM-related conditions. ClinVar contains an entry for this variant (Variation ID: 142121). Variants that disrupt the consensus splice site are a relatively common cause of aberrant splicing (PMID: 17576681, 9536098). Algorithms developed to predict the effect of sequence changes on RNA splicing suggest that this variant may disrupt the consensus splice site. In summary, the available evidence is currently insufficient to determine the role of this variant in disease. Therefore, it has been classified as a Variant of Uncertain Significance.

Ambry Genetics
Classification: Uncertain significance for Hereditary cancer-predisposing syndrome. Last evaluated: 2022-10-12. Review status: criteria provided, single submitter. Criteria: Ambry Variant Classification Scheme 2023. Collection method: clinical testing. Allele origin: germline.
Comment: The c.7630-3_7630-2delCA intronic variant results from a deletion of 2 nucleotides between positions 7630-3 and 7630-2 at 2 nucleotides before coding exon 51 in the ATM gene. In silico splice site analysis predicts that this alteration will weaken the native splice acceptor site; however, direct evidence is insufficient at this time (Ambry internal data). This nucleotide region is highly conserved in available vertebrate species. Since supporting evidence is limited at this time, the clinical significance of this alteration remains unclear.

Literature cited by the submitters: PubMed 17576681 (cited by Labcorp Genetics (formerly Invitae), Labcorp); PubMed 9536098 (cited by Labcorp Genetics (formerly Invitae), Labcorp).

NM_000051.4(ATM):c.7630-3_7630-2del

Genes: ATM (ATM serine/threonine kinase; plus strand), C11orf65 (chromosome 11 open reading frame 65; minus strand). Cytogenetic location: 11q22.3.
Variant type: Deletion.
Coding change: c.7630-3_7630-2del on transcript NM_000051.4 (MANE Select); 3 bases into the intron before coding-DNA position 7630 through the canonical splice acceptor site of the intron before coding-DNA position 7630, 2 bases deleted (CA; older notation c.7630-3_7630-2delCA).
Molecular consequence: splice acceptor variant. On other transcripts: intron variant (2).
Genome position (GRCh38, 1-based): chr11:108,331,876-108,331,877, CA deleted; deleting any 2 consecutive bases within chr11:108,331,875-108,331,877 gives the same sequence; the c. name uses the placement nearest the transcript's 3' end. VCF-style (leftmost placement, unchanged base first): chr11-108331874-TAC-T. GRCh37 (hg19) VCF-style: chr11-108202601-TAC-T.
Other names: c.7630-3_7630-2delCA (NM_000051.3); c.7630-3_7630-2del (NM_001351834.2); c.641-22805_641-22804del (NM_001330368.2); c.*38+3344_*38+3345del (NM_001351110.2).
Identifiers: ClinVar variation 142121 (VCV000142121.8), dbSNP rs587782250, ClinGen allele CA167461.